The following is an entry in ClinVar:

NM_002471.4(MYH6):c.5489C>T (p.Ala1830Val)

Gene: MYH6 (myosin heavy chain 6; minus strand). Cytogenetic location: 14q11.2.
Variant type: single nucleotide variant.
Coding change: c.5489C>T on transcript NM_002471.4 (MANE Select); coding-DNA position 5489, C replaced by T.
Protein change: p.Ala1830Val; replaces alanine 1830 with valine.
Molecular consequence: missense variant.
Genome position (GRCh38, 1-based): chr14:23,384,518, G>A on the plus strand (C>T on the coding strand, the complement: MYH6 is on the minus strand). VCF-style: chr14-23384518-G-A. GRCh37 (hg19) VCF-style: chr14-23853727-G-A.
Other names: short protein forms A1830V.
Identifiers: ClinVar variation 1747833 (VCV001747833.3), dbSNP rs1002518548, ClinGen allele CA257776318.
Genomic context (GRCh38, chr14:23,384,518, plus strand): 5'-TTGATGCGCCGCTCGCTCTTCCTCATGCCCTTCACCGACTCTGCGTTGCGCTTCTGCTCG[G>A]CCTCCAGCTCACCCTCCAGCTCCCGCACCCGCGCTTCCAGCTTCTGCAGCTGCTTCTTGC-3'
Protein context (NP_002462.2, residues 1820-1840): RVRELEGELE[Ala1830Val]EQKRNAESVK

ClinVar aggregate classification (germline): Uncertain significance. Review status: criteria provided, multiple submitters, no conflicts (2 of 4 stars). 2 submissions from 2 submitters: Uncertain significance (2). Last evaluated 2025-10-19.

Conditions:
MYH6-related disorder. Also called: MYH6-Related Disorders; MYH6-related condition.
Cardiovascular phenotype. Identifiers: MedGen CN230736.

Allele frequency attached by ClinVar (database versions not stated): gnomAD exomes below 0.00001; TOPMed below 0.00001; gnomAD 0.00001.
gnomAD v4.1: 2 of 1,613,058 alleles (0.00012%); highest among the groups gnomAD compares: African/African-American, 0.0027%; no homozygotes.

Submissions (2):

PreventionGenetics, part of Exact Sciences
Classification: Uncertain significance for MYH6-related condition. Last evaluated: 2025-10-19. Review status: criteria provided, single submitter. Criteria: ACMG Guidelines, 2015. Collection method: clinical testing. Allele origin: germline.
Comment: The MYH6 c.5489C>T variant is predicted to result in the amino acid substitution p.Ala1830Val. To our knowledge, this variant has not been reported in the literature or in a large population database (gnomAD), indicating this variant is rare. At this time, the clinical significance of this variant is uncertain due to the absence of conclusive functional and genetic evidence.

Ambry Genetics
Classification: Uncertain significance for Cardiovascular phenotype. Last evaluated: 2022-05-06. Review status: criteria provided, single submitter. Criteria: Ambry Variant Classification Scheme 2023. Collection method: clinical testing. Allele origin: germline.
Comment: The p.A1830V variant (also known as c.5489C>T), located in coding exon 34 of the MYH6 gene, results from a C to T substitution at nucleotide position 5489. The alanine at codon 1830 is replaced by valine, an amino acid with similar properties. This amino acid position is conserved. In addition, this alteration is predicted to be tolerated by in silico analysis. Since supporting evidence is limited at this time, the clinical significance of this alteration remains unclear.